The following is an entry in ClinVar:

ClinVar aggregate classification (germline): Pathogenic (1 of 4 stars; one submission).

Conditions:
Hypoparathyroidism, deafness, renal disease syndrome (HDRS). Also called: HYPOPARATHYROIDISM, SENSORINEURAL DEAFNESS, AND RENAL DYSPLASIA SYNDROME. Identifiers: Orphanet 2237, MedGen C1840333, MONDO:0007797, OMIM 146255.

Submission:

Ambry Genetics
Classification: Pathogenic for Hypoparathyroidism, deafness, renal disease syndrome. Last evaluated: 2024-12-20. Review status: criteria provided, single submitter. Criteria: Ambry CNV Classification Scheme 2023. Collection method: clinical testing. Allele origin: germline.
Comment: The results of this test indicate an interstitial copy number LOSS at 10p14. This copy loss is a minimum of 1.455 Mb in size and involves seven genes, including the GATA3 gene. Similar copy losses are not reported in the literature at this time. Pathogenic variants in GATA3 are known to cause hypoparathyroidism, sensorineural deafness, and renal dysplasia (HDR) syndrome, which is inherited in an autosomal dominant fashion. HDR syndrome is characterized by hypoparathyroidism, variably manifesting as symptomatic or asymptomatic hypocalcemia, and early onset sensorineural deafness. Additional features seen in the majority of patients include seizures and/or tetany secondary to symptomatic hypocalcemia. Other features seen in a minority of patients include diverse renal abnormalities including renal dysplasia, hypoplasia, or aplasia. Among patients with GATA3 mutations, approximately two thirds have all three cardinal features of HDR syndrome and one third have hypoparathyroidism and deafness without renal abnormalities. Considerable inter- and intrafamilial phenotypic variability has been reported (Ali, 2007; Belge, 2017). Loss of function has been reported as the mechanism of disease for HDR syndrome. This heterozygous copy loss is expected to result in loss of function of the GATA3 gene. Based on the size, gene content, and supporting literature, this alteration is expected to be pathogenic.

Literature cited by the submitters: PubMed 17210674; PubMed 27387476.

GRCh37/hg19 10p14(chr10:7859107-9314364)x1

Genes: GATA3 (GATA binding protein 3; plus strand), TAF3 (TATA-box binding protein associated factor 3; plus strand). Cytogenetic location: 10p14.
Variant type: copy number loss.
Change: copy number 1 (one copy instead of two) of chr10:7,859,107-9,314,364 (1.46 Mb, GRCh37 coordinates, 1-based), cytogenetic band 10p14.
Identifiers: ClinVar variation 4082277 (VCV004082277.1).